The following is an entry in ClinVar:

NM_000334.4(SCN4A):c.4819G>A (p.Glu1607Lys)

Genes: GH-LCR (growth hormone locus control region; plus strand), SCN4A (sodium voltage-gated channel alpha subunit 4; minus strand). Cytogenetic location: 17q23.3.
Variant type: single nucleotide variant.
Coding change: c.4819G>A on transcript NM_000334.4 (MANE Select); coding-DNA position 4819, G replaced by A.
Protein change: p.Glu1607Lys; replaces glutamic acid 1607 with lysine.
Molecular consequence: missense variant.
Genome position (GRCh38, 1-based): chr17:63,941,463, C>T on the plus strand (G>A on the coding strand, the complement: SCN4A is on the minus strand). VCF-style: chr17-63941463-C-T. GRCh37 (hg19) VCF-style: chr17-62018823-C-T.
Other names: short protein forms E1607K.
Identifiers: ClinVar variation 2648086 (VCV002648086.26), dbSNP rs760087727, ClinGen allele CA8708897.

ClinVar aggregate classification (germline): Uncertain significance. Review status: criteria provided, multiple submitters, no conflicts (2 of 4 stars). 2 submissions from 2 submitters: Uncertain significance (2). Last evaluated 2023-10-13.

Conditions:
Hyperkalemic periodic paralysis. Also called: Familial hyperkalemic periodic paralysis; Gamstorp disease. Identifiers: Orphanet 682, MedGen C0238357, MONDO:0008224, OMIM 170500, HP:0007215.

Allele frequency attached by ClinVar (database versions not stated): ExAC 0.00001; gnomAD 0.00001; TOPMed 0.00001; gnomAD exomes 0.00002.
gnomAD v4.1: 10 of 1,614,050 alleles (0.00062%); highest among the groups gnomAD compares: East Asian, 0.0022%; no homozygotes.

Submissions (2):

Labcorp Genetics (formerly Invitae), Labcorp
Classification: Uncertain significance for Hyperkalemic periodic paralysis. Last evaluated: 2023-10-13. Review status: criteria provided, single submitter. Criteria: Invitae Variant Classification Sherloc (09022015). Collection method: clinical testing. Allele origin: germline.
Comment: This sequence change replaces glutamic acid, which is acidic and polar, with lysine, which is basic and polar, at codon 1607 of the SCN4A protein (p.Glu1607Lys). This variant is present in population databases (rs760087727, gnomAD 0.004%). This variant has not been reported in the literature in individuals affected with SCN4A-related conditions. Advanced modeling of protein sequence and biophysical properties (such as structural, functional, and spatial information, amino acid conservation, physicochemical variation, residue mobility, and thermodynamic stability) has been performed at Invitae for this missense variant, however the output from this modeling did not meet the statistical confidence thresholds required to predict the impact of this variant on SCN4A protein function. In summary, the available evidence is currently insufficient to determine the role of this variant in disease. Therefore, it has been classified as a Variant of Uncertain Significance.

CeGaT Center for Human Genetics Tuebingen
Classification: Uncertain significance. Last evaluated: 2022-03-01. Review status: criteria provided, single submitter. Criteria: CeGaT Center For Human Genetics Tuebingen Variant Classification Criteria Version 2. Collection method: clinical testing. Allele origin: germline. Affected: yes. Observed: 1 variant allele.
Comment: SCN4A: PP3